The following is an entry in ClinVar:

ClinVar aggregate classification (germline): Likely pathogenic. Review status: criteria provided, multiple submitters, no conflicts (2 of 4 stars). 2 submissions from 2 submitters: Likely pathogenic (2). Last evaluated 2024-07-23.

Submissions (2):

GeneDx
Classification: Likely pathogenic. Last evaluated: 2024-07-23. Review status: criteria provided, single submitter. Criteria: GeneDx Variant Classification Process June 2021. Collection method: clinical testing. Allele origin: germline. Affected: yes.
Comment: Canonical splice site variant predicted to result in an in-frame loss of the adjacent exon in a gene for which loss of function is a known mechanism of disease; Not observed at significant frequency in large population cohorts (gnomAD); Observed in individuals with history of paragangliomas referred for genetic testing at GeneDx and in published literature, including an individual whose tumor demonstrated concordant immunohistochemistry staining (PMID: 19351833, 30050099, 19393419, 38144572); This variant is associated with the following publications: (PMID: 25525159, 19351833, 34072806, 30050099, 19393419, 38144572, 20208144, 31212687, 37313193)

Institute for Clinical Genetics, University Hospital TU Dresden, University Hospital TU Dresden
Classification: Likely pathogenic. Last evaluated: 2023-01-17. Review status: criteria provided, single submitter. Criteria: ACMG Guidelines, 2015. Collection method: clinical testing. Allele origin: germline.

NM_003002.4(SDHD):c.53-2A>G

Gene: SDHD (succinate dehydrogenase complex subunit D; plus strand). Cytogenetic location: 11q23.1.
Variant type: single nucleotide variant.
Coding change: c.53-2A>G on transcript NM_003002.4 (MANE Select); the canonical splice acceptor site of the intron before coding-DNA position 53, A replaced by G.
Molecular consequence: splice acceptor variant. On other transcripts: intron variant (1).
Genome position (GRCh38, 1-based): chr11:112,087,855, A>G. VCF-style: chr11-112087855-A-G. GRCh37 (hg19) VCF-style: chr11-111958579-A-G.
Other names: c.53-2A>G (NM_001276506.2, NM_001276503.2); c.52+896A>G (NM_001276504.2).
Identifiers: ClinVar variation 2576071 (VCV002576071.2), dbSNP rs778969755, ClinGen allele CA382616900.